The following is an entry in ClinVar:

ClinVar aggregate classification (germline): Likely benign. Review status: criteria provided, multiple submitters, no conflicts (2 of 4 stars). 3 submissions from 3 submitters: Likely benign (2). 1 of the submissions does not count toward it. Last evaluated 2026-09-01.

Conditions:
SLC4A11-related disorder. Also called: SLC4A11-related condition.

Allele frequency attached by ClinVar (database versions not stated): gnomAD 0.00001; TOPMed 0.00002; gnomAD exomes 0.00004.
gnomAD v4.1: 39 of 1,613,818 alleles (0.0024%); highest among the groups gnomAD compares: East Asian, 0.0067%; no homozygotes.

Submissions (3):

CeGaT Center for Human Genetics Tuebingen
Classification: Likely benign. Last evaluated: 2026-09-01. Review status: criteria provided, single submitter. Criteria: CeGaT Center For Human Genetics Tuebingen Variant Classification Criteria Version 2. Collection method: clinical testing. Allele origin: germline. Affected: yes. Observed: 1 variant allele.
Comment: SLC4A11: BP4, BP7

Labcorp Genetics (formerly Invitae), Labcorp
Classification: Likely benign. Last evaluated: 2024-02-05. Review status: criteria provided, single submitter. Criteria: Invitae Variant Classification Sherloc (09022015). Collection method: clinical testing. Allele origin: germline.

PreventionGenetics, part of Exact Sciences
Classification: Likely benign for SLC4A11-related condition. Last evaluated: 2024-08-28. Review status: no assertion criteria provided. Collection method: clinical testing. Allele origin: germline. Not counted in ClinVar's aggregate classification.
Comment: This variant is classified as likely benign based on ACMG/AMP sequence variant interpretation guidelines (Richards et al. 2015 PMID: 25741868, with internal and published modifications).

NM_001174089.2(SLC4A11):c.759G>A (p.Ala253=)

Gene: SLC4A11 (solute carrier family 4 member 11; minus strand). Cytogenetic location: 20p13.
Variant type: single nucleotide variant.
Coding change: c.759G>A on transcript NM_001174089.2 (MANE Select); coding-DNA position 759, G replaced by A.
Protein change: p.Ala253=; no amino-acid change (alanine 253 retained).
Molecular consequence: synonymous variant. On other transcripts: non-coding transcript variant (1).
Genome position (GRCh38, 1-based): chr20:3,231,519, C>T on the plus strand (G>A on the coding strand, the complement: SLC4A11 is on the minus strand). VCF-style: chr20-3231519-C-T. GRCh37 (hg19) VCF-style: chr20-3212165-C-T.
Other names: c.888G>A, p.Ala296= (NM_001174090.2); c.759G>A, p.Ala253= (NM_001363745.2); c.807G>A, p.Ala269= (NM_032034.4); c.807G>A (NM_032034.3).
Identifiers: ClinVar variation 1134086 (VCV001134086.11), dbSNP rs1421228140, ClinGen allele CA509559023.
Genomic context (GRCh38, chr20:3,231,519, plus strand): 5'-GCGGGTCTCCAGGAGCTTCTGGCGGAAGGCGATATCCGAGAACATGGTGGCAAACGTGCG[C>T]GCCACCTCCATCGCAGTCTTAGTGCTTTTCTAGGGGTGGAGGATGGGAGTCACCCCTAGA-3'
Protein context (NP_001167560.1, residues 243-263): MKSTKTAMEV[Ala253=]RTFATMFSDI